The following is an entry in ClinVar:

NM_018669.6(WDR4):c.349G>A (p.Val117Ile)

Gene: WDR4 (WDR4 tRNA N7-guanosine methyltransferase non-catalytic subunit; minus strand). Cytogenetic location: 21q22.3.
Variant type: single nucleotide variant.
Coding change: c.349G>A on transcript NM_018669.6 (MANE Select); coding-DNA position 349, G replaced by A.
Protein change: p.Val117Ile; replaces valine 117 with isoleucine.
Molecular consequence: missense variant. On other transcripts: 5 prime UTR variant (3), non-coding transcript variant (1).
Genome position (GRCh38, 1-based): chr21:42,863,544, C>T on the plus strand (G>A on the coding strand, the complement: WDR4 is on the minus strand). VCF-style: chr21-42863544-C-T. GRCh37 (hg19) VCF-style: chr21-44283654-C-T.
Other names: c.349G>A, p.Val117Ile (NM_001260474.2, NM_033661.5); c.-90G>A (NM_001260475.2, NM_001260476.2, NM_001260477.2 and 1 more transcripts); c.349G>A (NM_018669.4); short protein forms V117I.
Identifiers: ClinVar variation 2068771 (VCV002068771.2), dbSNP rs777549752, ClinGen allele CA10046157.

ClinVar aggregate classification (germline): Uncertain significance. Review status: criteria provided, multiple submitters, no conflicts (2 of 4 stars). 2 submissions from 2 submitters: Uncertain significance (2). Last evaluated 2024-06-03.

Conditions:
Inborn genetic diseases. Identifiers: MedGen C0950123, MeSH D030342.

Allele frequency attached by ClinVar (database versions not stated): TOPMed 0.00004.
gnomAD v4.1: 26 of 1,613,948 alleles (0.0016%); highest among the groups gnomAD compares: Admixed American, 0.0083%; no homozygotes.

Submissions (2):

Ambry Genetics
Classification: Uncertain significance for Inborn genetic diseases. Last evaluated: 2024-06-03. Review status: criteria provided, single submitter. Criteria: Ambry Variant Classification Scheme 2023. Collection method: clinical testing. Allele origin: germline.

Labcorp Genetics (formerly Invitae), Labcorp
Classification: Uncertain significance. Last evaluated: 2022-06-22. Review status: criteria provided, single submitter. Criteria: Invitae Variant Classification Sherloc (09022015). Collection method: clinical testing. Allele origin: germline.
Comment: This sequence change replaces valine, which is neutral and non-polar, with isoleucine, which is neutral and non-polar, at codon 117 of the WDR4 protein (p.Val117Ile). This variant is present in population databases (rs777549752, gnomAD 0.008%). This variant has not been reported in the literature in individuals affected with WDR4-related conditions. Algorithms developed to predict the effect of missense changes on protein structure and function output the following: SIFT: "Tolerated"; PolyPhen-2: "Benign"; Align-GVGD: "Class C0". The isoleucine amino acid residue is found in multiple mammalian species, which suggests that this missense change does not adversely affect protein function. In summary, the available evidence is currently insufficient to determine the role of this variant in disease. Therefore, it has been classified as a Variant of Uncertain Significance.